The following is an entry in ClinVar:

NM_002755.4(MAP2K1):c.901G>A (p.Gly301Arg)

Gene: MAP2K1 (mitogen-activated protein kinase kinase 1; plus strand). Cytogenetic location: 15q22.31.
Variant type: single nucleotide variant.
Coding change: c.901G>A on transcript NM_002755.4 (MANE Select); coding-DNA position 901, G replaced by A.
Protein change: p.Gly301Arg; replaces glycine 301 with arginine.
Molecular consequence: missense variant.
Genome position (GRCh38, 1-based): chr15:66,487,233, G>A. VCF-style: chr15-66487233-G-A. GRCh37 (hg19) VCF-style: chr15-66779571-G-A.
Other names: short protein forms G301R.
Identifiers: ClinVar variation 1217250 (VCV001217250.9), dbSNP rs773890369, ClinGen allele CA7624048.

ClinVar aggregate classification (germline): Uncertain significance. Review status: criteria provided, multiple submitters, no conflicts (2 of 4 stars). 2 submissions from 2 submitters: Uncertain significance (2). Last evaluated 2025-10-25.

Conditions:
RASopathy. Also called: rasopathies; Noonan spectrum disorder. Identifiers: Orphanet 536391, MedGen C5555857, MONDO:0021060.

Allele frequency attached by ClinVar (database versions not stated): ExAC 0.00001; gnomAD exomes 0.00001; TOPMed 0.00001; gnomAD 0.00003.
gnomAD v4.1: 13 of 1,613,664 alleles (0.00081%); highest among the groups gnomAD compares: Middle Eastern, 0.016%; no homozygotes.

Submissions (2):

Labcorp Genetics (formerly Invitae), Labcorp
Classification: Uncertain significance for RASopathy. Last evaluated: 2025-10-25. Review status: criteria provided, single submitter. Criteria: Invitae Variant Classification Sherloc (09022015). Collection method: clinical testing. Allele origin: germline.
Comment: This sequence change replaces glycine, which is neutral and non-polar, with arginine, which is basic and polar, at codon 301 of the MAP2K1 protein (p.Gly301Arg). This variant is present in population databases (rs773890369, gnomAD 0.006%). This variant has not been reported in the literature in individuals affected with MAP2K1-related conditions. ClinVar contains an entry for this variant (Variation ID: 1217250). Invitae Evidence Modeling of protein sequence and biophysical properties (such as structural, functional, and spatial information, amino acid conservation, physicochemical variation, residue mobility, and thermodynamic stability) has been performed for this missense variant. However, the output from this modeling did not meet the statistical confidence thresholds required to predict the impact of this variant on MAP2K1 protein function. In summary, the available evidence is currently insufficient to determine the role of this variant in disease. Therefore, it has been classified as a Variant of Uncertain Significance.

Women's Health and Genetics/Laboratory Corporation of America, LabCorp
Classification: Uncertain significance. Last evaluated: 2021-08-15. Review status: criteria provided, single submitter. Criteria: LabCorp Variant Classification Summary - May 2015. Collection method: clinical testing. Allele origin: germline.
Comment: Variant summary: MAP2K1 c.901G>A (p.Gly301Arg) results in a non-conservative amino acid change located in the Protein kinase domain (IPR000719) of the encoded protein sequence. Five of five in-silico tools predict a damaging effect of the variant on protein function. The variant allele was found at a frequency of 8e-06 in 251480 control chromosomes. The available data on variant occurrences in the general population are insufficient to allow any conclusion about variant significance. To our knowledge, no occurrence of c.901G>A in individuals affected with Cardiofaciocutaneous Syndrome and no experimental evidence demonstrating its impact on protein function have been reported. No clinical diagnostic laboratories have submitted clinical-significance assessments for this variant to ClinVar after 2014. Based on the evidence outlined above, the variant was classified as uncertain significance.